The following is an entry in ClinVar:

ClinVar aggregate classification (germline): Conflicting classifications of pathogenicity. Review status: criteria provided, conflicting classifications (1 of 4 stars). 3 submissions from 3 submitters: Uncertain significance (1); Likely benign (2). Last evaluated 2026-07-01.

Conditions:
TTN-related disorder. Also called: TTN-related condition; TTN-related disease; TTN-related disorders.

Submissions (3):

PreventionGenetics, part of Exact Sciences
Classification: Uncertain significance for TTN-related condition. Last evaluated: 2026-07-01. Review status: criteria provided, single submitter. Criteria: ACMG Guidelines, 2015. Collection method: clinical testing. Allele origin: germline.
Comment: The TTN c.37619G>A variant is predicted to result in the amino acid substitution p.Arg12540His. To our knowledge, this variant has not been reported in the literature. This variant is reported in 0.050% of alleles in individuals of European (Non-Finnish) descent in gnomAD, including 1 homozygote. This variant falls within a highly paralogous region, and therefore allele frequency data should be interpreted with caution. Although we suspect that this variant may be benign, at this time, the clinical significance of this variant is uncertain due to the absence of conclusive functional and genetic evidence.

CeGaT Center for Human Genetics Tuebingen
Classification: Likely benign. Last evaluated: 2026-04-01. Review status: criteria provided, single submitter. Criteria: CeGaT Center For Human Genetics Tuebingen Variant Classification Criteria Version 2. Collection method: clinical testing. Allele origin: germline. Affected: yes. Observed: 2 variant alleles.
Comment: TTN: BP4

Blueprint Genetics
Classification: Likely benign. Last evaluated: 2024-11-19. Review status: criteria provided, single submitter. Criteria: ACMG Guidelines, 2015. Collection method: clinical testing. Allele origin: germline.

NM_001267550.2(TTN):c.37619G>A (p.Arg12540His)

Gene: TTN (titin; minus strand). Cytogenetic location: 2q31.2.
Variant type: single nucleotide variant.
Coding change: c.37619G>A on transcript NM_001267550.2 (MANE Select); coding-DNA position 37619, G replaced by A.
Protein change: p.Arg12540His; replaces arginine 12540 with histidine.
Molecular consequence: missense variant. On other transcripts: intron variant (5).
Genome position (GRCh38, 1-based): chr2:178,658,476, C>T on the plus strand (G>A on the coding strand, the complement: TTN is on the minus strand). VCF-style: chr2-178658476-C-T. GRCh37 (hg19) VCF-style: chr2-179523203-C-T.
Other names: c.13283-16159G>A (NM_003319.4); c.13859-16159G>A (NM_133437.4); c.13658-16159G>A (NM_133432.3); c.31741+529G>A (NM_133378.4); c.34522+529G>A (NM_001256850.1); short protein forms R12540H.
Identifiers: ClinVar variation 3898230 (VCV003898230.9).